The following is an entry in ClinVar:

ClinVar aggregate classification (germline): Uncertain significance (1 of 4 stars; one submission).

Conditions:
Inborn genetic diseases. Identifiers: MedGen C0950123, MeSH D030342.

Submission:

Ambry Genetics
Classification: Uncertain significance for Inborn genetic diseases. Last evaluated: 2026-06-25. Review status: criteria provided, single submitter. Criteria: Ambry Variant Classification Scheme 2023. Collection method: clinical testing. Allele origin: germline.
Comment: The p.M186L variant (also known as c.556A>T), located in coding exon 6 of the DDX41 gene, results from an A to T substitution at nucleotide position 556. The methionine at codon 186 is replaced by leucine, an amino acid with highly similar properties. This amino acid position is highly conserved in available vertebrate species. In addition, this alteration is predicted to be tolerated by in silico analysis. Based on the available evidence, the clinical significance of this variant remains unclear.

NM_016222.4(DDX41):c.556A>T (p.Met186Leu)

Gene: DDX41 (DEAD-box helicase 41; minus strand). Cytogenetic location: 5q35.3.
Variant type: single nucleotide variant.
Coding change: c.556A>T on transcript NM_016222.4 (MANE Select); coding-DNA position 556, A replaced by T.
Protein change: p.Met186Leu; replaces methionine 186 with leucine.
Molecular consequence: missense variant.
Genome position (GRCh38, 1-based): chr5:177,515,700, T>A on the plus strand (A>T on the coding strand, the complement: DDX41 is on the minus strand). VCF-style: chr5-177515700-T-A. GRCh37 (hg19) VCF-style: chr5-176942701-T-A.
Other names: c.178A>T, p.Met60Leu (NM_001321732.2, NM_001321830.2); short protein forms M186L, M60L.
Identifiers: ClinVar variation 5035138 (VCV005035138.1).